The following is an entry in ClinVar:

NM_004172.5(SLC1A3):c.227G>A (p.Arg76Gln)

Gene: SLC1A3 (solute carrier family 1 member 3; plus strand). Cytogenetic location: 5p13.2.
Variant type: single nucleotide variant.
Coding change: c.227G>A on transcript NM_004172.5 (MANE Select); coding-DNA position 227, G replaced by A.
Protein change: p.Arg76Gln; replaces arginine 76 with glutamine.
Molecular consequence: missense variant. On other transcripts: intron variant (1).
Genome position (GRCh38, 1-based): chr5:36,629,495, G>A. VCF-style: chr5-36629495-G-A. GRCh37 (hg19) VCF-style: chr5-36629597-G-A.
Other names: c.227G>A, p.Arg76Gln (NM_001166695.3, NM_001289940.2); c.181+20891G>A (NM_001289939.2); short protein forms R76Q.
Identifiers: ClinVar variation 353310 (VCV000353310.7), dbSNP rs148490778, ClinGen allele CA3235398.

ClinVar aggregate classification (germline): Conflicting classifications of pathogenicity. Review status: criteria provided, conflicting classifications (1 of 4 stars). 2 submissions from 2 submitters: Uncertain significance (1); Likely benign (1). Last evaluated 2024-08-13.

Conditions:
Episodic ataxia type 6. Identifiers: Orphanet 209967, MedGen C2675211, MONDO:0012982, OMIM 612656.

Allele frequency attached by ClinVar (database versions not stated): ExAC 0.00002; gnomAD 0.00003; gnomAD exomes 0.00003; ESP Exome Variant Server 0.00015.
gnomAD v4.1: 40 of 1,611,208 alleles (0.0025%); highest among the groups gnomAD compares: Admixed American, 0.0033%; no homozygotes.

Submissions (2):

Athena Diagnostics
Classification: Uncertain significance. Last evaluated: 2024-08-13. Review status: criteria provided, single submitter. Criteria: Athena Diagnostics Criteria. Collection method: clinical testing. Allele origin: unknown.
Comment: Available data are insufficient to determine the clinical significance of the variant at this time. The frequency of this variant in the general population is higher than would generally be expected for pathogenic variants in this gene. Polyphen and MutationTaster yielded discordant predictions regarding whether this amino acid change is damaging to the protein.

Illumina Laboratory Services, Illumina
Classification: Likely benign for Episodic ataxia type 6. Last evaluated: 2018-01-12. Review status: criteria provided, single submitter. Criteria: ICSL Variant Classification Criteria 13 December 2019. Collection method: clinical testing. Allele origin: germline.
Comment: This variant was observed in the ICSL laboratory as part of a predisposition screen in an ostensibly healthy population. It had not been previously curated by ICSL or reported in the Human Gene Mutation Database (HGMD: prior to June 1st, 2018), and was therefore a candidate for classification through an automated scoring system. Utilizing variant allele frequency, disease prevalence and penetrance estimates, and inheritance mode, an automated score was calculated to assess if this variant is too frequent to cause the disease. Based on the score and internal cut-off values, a variant classified as likely benign is not then subjected to further curation. The score for this variant resulted in a classification of likely benign for this disease.

Literature cited by the submitters: PubMed 29208948 (cited by Athena Diagnostics).